The following is an entry in ClinVar:

ClinVar aggregate classification (germline): Uncertain significance. Review status: criteria provided, multiple submitters, no conflicts (2 of 4 stars). 2 submissions from 2 submitters: Uncertain significance (2). Last evaluated 2025-04-28.

Conditions:
Inborn genetic diseases. Identifiers: MedGen C0950123, MeSH D030342.

gnomAD v4.1: 11 of 1,587,316 alleles (0.00069%); highest among the groups gnomAD compares: Admixed American, 0.012%; no homozygotes.

Submissions (2):

Women's Health and Genetics/Laboratory Corporation of America, LabCorp
Classification: Uncertain significance. Last evaluated: 2025-04-28. Review status: criteria provided, single submitter. Criteria: LabCorp Variant Classification Summary - May 2015. Collection method: clinical testing. Allele origin: germline.
Comment: Variant summary: MAPK8IP3 c.3080G>C (p.Gly1027Ala) results in a non-conservative amino acid change in the encoded protein sequence. Three of five in-silico tools predict a benign effect of the variant on protein function. The variant allele was found at a frequency of 4.4e-06 in 227194 control chromosomes. The available data on variant occurrences in the general population are insufficient to allow any conclusion about variant significance. To our knowledge, no occurrence of c.3080G>C in individuals affected with Neurodevelopmental Disorder With Or Without Variable Brain Abnormalities; NEDBA and no experimental evidence demonstrating its impact on protein function have been reported. ClinVar contains an entry for this variant (Variation ID: 3123328). Based on the evidence outlined above, the variant was classified as uncertain significance.

Ambry Genetics
Classification: Uncertain significance for Inborn genetic diseases. Last evaluated: 2023-11-15. Review status: criteria provided, single submitter. Criteria: Ambry Variant Classification Scheme 2023. Collection method: clinical testing. Allele origin: germline.

NM_001318852.2(MAPK8IP3):c.3083G>C (p.Gly1028Ala)

Gene: MAPK8IP3 (mitogen-activated protein kinase 8 interacting protein 3; plus strand). Cytogenetic location: 16p13.3.
Variant type: single nucleotide variant.
Coding change: c.3083G>C on transcript NM_001318852.2 (MANE Select); coding-DNA position 3083, G replaced by C.
Protein change: p.Gly1028Ala; replaces glycine 1028 with alanine.
Molecular consequence: missense variant.
Genome position (GRCh38, 1-based): chr16:1,766,966, G>C. VCF-style: chr16-1766966-G-C. GRCh37 (hg19) VCF-style: chr16-1816967-G-C.
Other names: c.3062G>C, p.Gly1021Ala (NM_001040439.2); c.3080G>C, p.Gly1027Ala (NM_015133.5, NM_033392.3); short protein forms G1021A, G1028A, G1027A.
Identifiers: ClinVar variation 3123328 (VCV003123328.3), dbSNP rs907639773, ClinGen allele CA276721117.